The following is an entry in ClinVar:

ClinVar aggregate classification (germline): Uncertain significance. Review status: criteria provided, multiple submitters, no conflicts (2 of 4 stars). 2 submissions from 2 submitters: Uncertain significance (2). Last evaluated 2023-08-28.

Conditions:
Inborn genetic diseases. Identifiers: MedGen C0950123, MeSH D030342.

Allele frequency attached by ClinVar (database versions not stated): gnomAD 0.00009 and 0.00010; TOPMed 0.00013.

Submissions (2):

Labcorp Genetics (formerly Invitae), Labcorp
Classification: Uncertain significance. Last evaluated: 2023-08-28. Review status: criteria provided, single submitter. Criteria: Invitae Variant Classification Sherloc (09022015). Collection method: clinical testing. Allele origin: germline.
Comment: This sequence change replaces serine, which is neutral and polar, with cysteine, which is neutral and slightly polar, at codon 87 of the CABP4 protein (p.Ser87Cys). This variant is present in population databases (rs768085983, gnomAD 0.04%). This variant has not been reported in the literature in individuals affected with CABP4-related conditions. ClinVar contains an entry for this variant (Variation ID: 1464625). Advanced modeling of protein sequence and biophysical properties (such as structural, functional, and spatial information, amino acid conservation, physicochemical variation, residue mobility, and thermodynamic stability) performed at Invitae indicates that this missense variant is not expected to disrupt CABP4 protein function. In summary, the available evidence is currently insufficient to determine the role of this variant in disease. Therefore, it has been classified as a Variant of Uncertain Significance.

Ambry Genetics
Classification: Uncertain significance for Inborn genetic diseases. Last evaluated: 2021-07-06. Review status: criteria provided, single submitter. Criteria: Ambry Variant Classification Scheme 2023. Collection method: clinical testing. Allele origin: germline.

NM_145200.5(CABP4):c.260C>G (p.Ser87Cys)

Gene: CABP4 (calcium binding protein 4; plus strand). Cytogenetic location: 11q13.2.
Variant type: single nucleotide variant.
Coding change: c.260C>G on transcript NM_145200.5 (MANE Select); coding-DNA position 260, C replaced by G.
Protein change: p.Ser87Cys; replaces serine 87 with cysteine.
Molecular consequence: missense variant. On other transcripts: 5 prime UTR variant (2), non-coding transcript variant (1), intron variant (1).
Genome position (GRCh38, 1-based): chr11:67,455,683, C>G. VCF-style: chr11-67455683-C-G. GRCh37 (hg19) VCF-style: chr11-67223154-C-G.
Other names: c.-124C>G (NM_001300895.3); c.-138C>G (NM_001379183.1); c.-112-26C>G (NM_001300896.3); c.260C>G (NM_145200.3); short protein forms S87C.
Identifiers: ClinVar variation 1464625 (VCV001464625.7), dbSNP rs768085983, ClinGen allele CA6140115.